The following is an entry in ClinVar:

ClinVar aggregate classification (germline): Uncertain significance. Review status: criteria provided, multiple submitters, no conflicts (2 of 4 stars). 3 submissions from 3 submitters: Uncertain significance (3). Last evaluated 2022-11-21.

Conditions:
Inborn genetic diseases. Identifiers: MedGen C0950123, MeSH D030342.

Allele frequency attached by ClinVar (database versions not stated): TOPMed 0.00002; gnomAD 0.00003; ESP Exome Variant Server 0.00008.
gnomAD v4.1: 29 of 1,612,410 alleles (0.0018%); highest among the groups gnomAD compares: East Asian, 0.0045%; no homozygotes.

Submissions (3):

Ambry Genetics
Classification: Uncertain significance for Inborn genetic diseases. Last evaluated: 2022-11-21. Review status: criteria provided, single submitter. Criteria: Ambry Variant Classification Scheme 2023. Collection method: clinical testing. Allele origin: germline.

Labcorp Genetics (formerly Invitae), Labcorp
Classification: Uncertain significance. Last evaluated: 2022-10-25. Review status: criteria provided, single submitter. Criteria: Invitae Variant Classification Sherloc (09022015). Collection method: clinical testing. Allele origin: germline.
Comment: This sequence change replaces arginine, which is basic and polar, with histidine, which is basic and polar, at codon 424 of the ARHGEF18 protein (p.Arg424His). The frequency data for this variant in the population databases is considered unreliable, as metrics indicate poor data quality at this position in the gnomAD database. This variant has not been reported in the literature in individuals affected with ARHGEF18-related conditions. ClinVar contains an entry for this variant (Variation ID: 1017573). Algorithms developed to predict the effect of missense changes on protein structure and function are either unavailable or do not agree on the potential impact of this missense change (SIFT: "Deleterious"; PolyPhen-2: "Probably Damaging"; Align-GVGD: "Class C0"). In summary, the available evidence is currently insufficient to determine the role of this variant in disease. Therefore, it has been classified as a Variant of Uncertain Significance.

Blueprint Genetics
Classification: Uncertain significance. Last evaluated: 2022-03-25. Review status: criteria provided, single submitter. Criteria: ACMG Guidelines, 2015. Collection method: clinical testing. Allele origin: germline.

NM_001367823.1(ARHGEF18):c.1835G>A (p.Arg612His)

Gene: ARHGEF18 (Rho/Rac guanine nucleotide exchange factor 18; plus strand). Cytogenetic location: 19p13.2.
Variant type: single nucleotide variant.
Coding change: c.1835G>A on transcript NM_001367823.1 (MANE Select); coding-DNA position 1835, G replaced by A.
Protein change: p.Arg612His; replaces arginine 612 with histidine.
Molecular consequence: missense variant.
Genome position (GRCh38, 1-based): chr19:7,451,246, G>A. VCF-style: chr19-7451246-G-A. GRCh37 (hg19) VCF-style: chr19-7516132-G-A.
Other names: c.1109G>A, p.Arg370His (NM_001130955.2); c.1271G>A (NM_001130955.1); c.797G>A, p.Arg266His (NM_001367824.1, NM_015318.4); short protein forms R266H, R370H, R612H.
Identifiers: ClinVar variation 1017573 (VCV001017573.7), dbSNP rs370171613, ClinGen allele CA9136627.